The following is an entry in ClinVar:

NC_000007.13:g.(?_91851196)_(91852312_?)del

Gene: KRIT1 (KRIT1 ankyrin repeat containing; minus strand). Cytogenetic location: 7q21.2.
Variant type: Deletion.
Identifiers: ClinVar variation 2427626 (VCV002427626.5).

ClinVar aggregate classification (germline): Likely pathogenic (1 of 4 stars; one submission).

Conditions:
Cerebral cavernous malformation (CCM). Also called: Cavernous Hemangioma of Brain; CAVERNOUS ANGIOMA, FAMILIAL; CAVERNOUS ANGIOMATOUS MALFORMATIONS; CEREBRAL CAPILLARY MALFORMATIONS; Cerebral cavernous malformations; Cerebral cavernous hemangioma (type). Identifiers: Orphanet 221061, MedGen C2919945, MONDO:0000820, OMIM 116860, HP:0033522.

Submission:

Labcorp Genetics (formerly Invitae), Labcorp
Classification: Likely pathogenic for Cerebral cavernous malformation. Last evaluated: 2022-06-13. Review status: criteria provided, single submitter. Criteria: Invitae Variant Classification Sherloc (09022015). Collection method: clinical testing. Allele origin: germline.
Comment: In summary, the currently available evidence indicates that the variant is pathogenic, but additional data are needed to prove that conclusively. Therefore, this variant has been classified as Likely Pathogenic. Experimental studies and prediction algorithms are not available or were not evaluated, and the functional significance of this variant is currently unknown. A similar copy number variant has been observed in individual(s) with clinical features of cerebral cavernous malformations (Invitae). This variant is a gross deletion of the genomic region encompassing exon(s) 14-15 of the KRIT1 gene. This variant would be expected to be in-frame, preserving the integrity of the reading frame.